The following is an entry in ClinVar:

ClinVar aggregate classification (germline): Uncertain significance (1 of 4 stars; one submission).

Submission:

GeneDx
Classification: Uncertain significance. Last evaluated: 2019-09-27. Review status: criteria provided, single submitter. Criteria: GeneDx Variant Classification Process June 2021. Collection method: clinical testing. Allele origin: germline. Affected: yes.
Comment: Not observed in large population cohorts (Lek et al., 2016); In silico analysis, which includes protein predictors and evolutionary conservation, supports a deleterious effect; Has not been previously published as pathogenic or benign to our knowledge

NM_006579.3(EBP):c.131T>G (p.Val44Gly)

Gene: EBP (EBP cholestenol delta-isomerase; plus strand). Cytogenetic location: Xp11.23.
Variant type: single nucleotide variant.
Coding change: c.131T>G on transcript NM_006579.3 (MANE Select); coding-DNA position 131, T replaced by G.
Protein change: p.Val44Gly; replaces valine 44 with glycine.
Molecular consequence: missense variant.
Genome position (GRCh38, 1-based): chrX:48,523,902, T>G. VCF-style: chrX-48523902-T-G. GRCh37 (hg19) VCF-style: chrX-48382290-T-G.
Other names: short protein forms V44G.
Identifiers: ClinVar variation 1308778 (VCV001308778.2), dbSNP rs2147154628, ClinGen allele CA412851276.